The following is an entry in ClinVar:

NM_000051.4(ATM):c.5705A>T (p.Asp1902Val)

Gene: ATM (ATM serine/threonine kinase; plus strand). Cytogenetic location: 11q22.3.
Variant type: single nucleotide variant.
Coding change: c.5705A>T on transcript NM_000051.4 (MANE Select); coding-DNA position 5705, A replaced by T.
Protein change: p.Asp1902Val; replaces aspartic acid 1902 with valine.
Molecular consequence: missense variant.
Genome position (GRCh38, 1-based): chr11:108,307,927, A>T. VCF-style: chr11-108307927-A-T. GRCh37 (hg19) VCF-style: chr11-108178654-A-T.
Other names: c.5705A>T, p.Asp1902Val (NM_001351834.2); short protein forms D1902V.
Identifiers: ClinVar variation 1944233 (VCV001944233.2), dbSNP rs1565486057, ClinGen allele CA382547860.

ClinVar aggregate classification (germline): Uncertain significance (1 of 4 stars; one submission).

Conditions:
Ataxia-telangiectasia syndrome (AT). Also called: Ataxia-telangiectasia, complementation group D; AT, COMPLEMENTATION GROUP C; Ataxia-telangiectasia; Ataxia telangiectasia (A-T); Cerebello-oculocutaneous telangiectasia; Immunodeficiency with ataxia telangiectasia. Identifiers: Orphanet 100, MedGen C0004135, MONDO:0008840, OMIM 208900.

gnomAD v4.1: 2 of 1,613,922 alleles (0.00012%); highest among the groups gnomAD compares: South Asian, 0.0011%; no homozygotes.

Submission:

Labcorp Genetics (formerly Invitae), Labcorp
Classification: Uncertain significance for Ataxia-telangiectasia syndrome. Last evaluated: 2021-09-01. Review status: criteria provided, single submitter. Criteria: Invitae Variant Classification Sherloc (09022015). Collection method: clinical testing. Allele origin: germline.
Comment: This sequence change replaces aspartic acid with valine at codon 1902 of the ATM protein (p.Asp1902Val). The aspartic acid residue is moderately conserved and there is a large physicochemical difference between aspartic acid and valine. This variant is not present in population databases (ExAC no frequency). This variant has not been reported in the literature in individuals affected with ATM-related conditions. Advanced modeling of protein sequence and biophysical properties (such as structural, functional, and spatial information, amino acid conservation, physicochemical variation, residue mobility, and thermodynamic stability) performed at Invitae indicates that this missense variant is not expected to disrupt ATM protein function. In summary, the available evidence is currently insufficient to determine the role of this variant in disease. Therefore, it has been classified as a Variant of Uncertain Significance.